The following is an entry in ClinVar:

NM_003742.4(ABCB11):c.1064C>T (p.Thr355Ile)

Gene: ABCB11 (ATP binding cassette subfamily B member 11; minus strand). Cytogenetic location: 2q31.1.
Variant type: single nucleotide variant.
Coding change: c.1064C>T on transcript NM_003742.4 (MANE Select); coding-DNA position 1064, C replaced by T.
Protein change: p.Thr355Ile; replaces threonine 355 with isoleucine.
Molecular consequence: missense variant.
Genome position (GRCh38, 1-based): chr2:168,986,129, G>A on the plus strand (C>T on the coding strand, the complement: ABCB11 is on the minus strand). VCF-style: chr2-168986129-G-A. GRCh37 (hg19) VCF-style: chr2-169842639-G-A.
Other names: c.1064C>T (NM_003742.2); c.1064C>T, p.Thr355Ile (LRG_1199t1); short protein forms T355I.
Identifiers: ClinVar variation 498146 (VCV000498146.10), dbSNP rs767525336, ClinGen allele CA1951723.

ClinVar aggregate classification (germline): Uncertain significance. Review status: criteria provided, multiple submitters, no conflicts (2 of 4 stars). 4 submissions from 4 submitters: Uncertain significance (4). Last evaluated 2026-04-14.

Conditions:
Familial intrahepatic cholestasis. Identifiers: Orphanet 284385, MedGen CN296401, MONDO:0017290.
Inborn genetic diseases. Identifiers: MedGen C0950123, MeSH D030342.

Allele frequency attached by ClinVar (database versions not stated): gnomAD exomes below 0.00001; ExAC 0.00001.
gnomAD v4.1: 2 of 1,610,546 alleles (0.00012%); highest among the groups gnomAD compares: South Asian, 0.0011%; no homozygotes.

Submissions (4):

Genomenon, Inc
Classification: Uncertain significance for Familial intrahepatic cholestasis. Last evaluated: 2026-04-14. Review status: criteria provided, single submitter. Criteria: Genomenon Sequence Variant Interpretation Standards - Updated. Collection method: curation. Allele origin: germline. Affected: yes.
Comment: ABCB11 p.Thr355Ile (c.1064C>T) is a missense variant that changes the amino acid at residue 355 from Threonine to Isoleucine. This variant has been observed in at least one proband with an ABCB11-related disorder (PMID:35780807). It is absent or not present at a significant frequency in gnomAD. In conclusion, we classify ABCB11 p.Thr355Ile (c.1064C>T) as a variant of uncertain significance.

Labcorp Genetics (formerly Invitae), Labcorp
Classification: Uncertain significance. Last evaluated: 2024-03-15. Review status: criteria provided, single submitter. Criteria: Invitae Variant Classification Sherloc (09022015). Collection method: clinical testing. Allele origin: germline.
Comment: This sequence change replaces threonine, which is neutral and polar, with isoleucine, which is neutral and non-polar, at codon 355 of the ABCB11 protein (p.Thr355Ile). This variant is present in population databases (rs767525336, gnomAD 0.003%). This variant has not been reported in the literature in individuals affected with ABCB11-related conditions. ClinVar contains an entry for this variant (Variation ID: 498146). Advanced modeling of protein sequence and biophysical properties (such as structural, functional, and spatial information, amino acid conservation, physicochemical variation, residue mobility, and thermodynamic stability) has been performed at Invitae for this missense variant, however the output from this modeling did not meet the statistical confidence thresholds required to predict the impact of this variant on ABCB11 protein function. In summary, the available evidence is currently insufficient to determine the role of this variant in disease. Therefore, it has been classified as a Variant of Uncertain Significance.

Ambry Genetics
Classification: Uncertain significance for Inborn genetic diseases. Last evaluated: 2022-12-13. Review status: criteria provided, single submitter. Criteria: Ambry Variant Classification Scheme 2023. Collection method: clinical testing. Allele origin: germline.

Eurofins Ntd Llc (ga)
Classification: Uncertain significance. Last evaluated: 2017-05-05. Review status: criteria provided, single submitter. Criteria: EGL Classification Definitions 2015. Collection method: clinical testing. Allele origin: germline. Observed: 2 variant alleles, 2 heterozygotes.

Literature cited by the submitters: PubMed 35780807 (cited by Genomenon, Inc).